The following is an entry in ClinVar:

ClinVar aggregate classification (germline): Conflicting classifications of pathogenicity. Review status: criteria provided, conflicting classifications (1 of 4 stars). 4 submissions from 4 submitters: Likely pathogenic (2); Uncertain significance (2). Last evaluated 2026-09-03.

Conditions:
Ornithine aminotransferase deficiency (GACR). Also called: HYPERORNITHINEMIA WITH GYRATE ATROPHY OF CHOROID AND RETINA; Ornithine ketoacid aminotransferase deficiency; Gyrate atrophy; Gyrate atrophy of choroid and retina; Girate atrophy of the retina; OKT DEFICIENCY. Identifiers: Orphanet 414, MedGen C0018425, MONDO:0009796, OMIM 258870.

Allele frequency attached by ClinVar (database versions not stated): ExAC 0.00001; gnomAD exomes 0.00001; TOPMed 0.00001.
gnomAD v4.1: 15 of 1,612,842 alleles (0.00093%); highest among the groups gnomAD compares: South Asian, 0.0044%; no homozygotes.

Submissions (4):

Myriad Genetics, Inc.
Classification: Likely pathogenic for Ornithine aminotransferase deficiency. Last evaluated: 2026-09-03. Review status: criteria provided, single submitter. Criteria: Myriad Autosomal Dominant, Autosomal Recessive and X-Linked Classification Criteria (2023). Collection method: clinical testing. Allele origin: unknown.
Comment: NM_000274.3(OAT):c.461G>A(R154H) is a missense variant classified as likely pathogenic in the context of ornithine aminotransferase deficiency. R154H has been observed in cases with relevant disease (PMID: 41024252, 39447872, 36460718, 28468868). Relevant functional assessments of this variant are not available in the literature. R154H has been observed in referenced population frequency databases. In summary, NM_000274.3(OAT):c.461G>A(R154H) is a missense variant that has been observed more frequently in cases with the relevant disease than in healthy populations. Please note: this variant was assessed in the context of healthy population screening.

Baylor Genetics
Classification: Likely pathogenic for Ornithine aminotransferase deficiency. Last evaluated: 2024-02-06. Review status: criteria provided, single submitter. Criteria: ACMG Guidelines, 2015. Collection method: clinical testing. Allele origin: unknown.

Labcorp Genetics (formerly Invitae), Labcorp
Classification: Uncertain significance for Ornithine aminotransferase deficiency. Last evaluated: 2022-10-26. Review status: criteria provided, single submitter. Criteria: Invitae Variant Classification Sherloc (09022015). Collection method: clinical testing. Allele origin: germline.
Comment: This sequence change replaces arginine, which is basic and polar, with histidine, which is basic and polar, at codon 154 of the OAT protein (p.Arg154His). This variant is present in population databases (rs121965039, gnomAD 0.003%). This missense change has been observed in individual(s) with ornithine aminotransferase deficiency (PMID: 28468868). ClinVar contains an entry for this variant (Variation ID: 1017886). Advanced modeling of protein sequence and biophysical properties (such as structural, functional, and spatial information, amino acid conservation, physicochemical variation, residue mobility, and thermodynamic stability) performed at Invitae indicates that this missense variant is expected to disrupt OAT protein function. This variant disrupts the p.Arg154 amino acid residue in OAT. Other variant(s) that disrupt this residue have been observed in individuals with OAT-related conditions (PMID: 1737786), which suggests that this may be a clinically significant amino acid residue. In summary, the available evidence is currently insufficient to determine the role of this variant in disease. Therefore, it has been classified as a Variant of Uncertain Significance.

Fulgent Genetics
Classification: Uncertain significance for Ornithine aminotransferase deficiency. Last evaluated: 2022-04-17. Review status: criteria provided, single submitter. Criteria: ACMG Guidelines, 2015. Collection method: clinical testing. Allele origin: unknown.

Literature cited by the submitters: PubMed 28468868 (cited by Myriad Genetics, Inc. and Labcorp Genetics (formerly Invitae), Labcorp); PubMed 36460718 (cited by Myriad Genetics, Inc.); PubMed 39447872 (cited by Myriad Genetics, Inc.); PubMed 41024252 (cited by Myriad Genetics, Inc.); PubMed 1737786 (cited by Labcorp Genetics (formerly Invitae), Labcorp).

NM_000274.4(OAT):c.461G>A (p.Arg154His)

Gene: OAT (ornithine aminotransferase; minus strand). Cytogenetic location: 10q26.13.
Variant type: single nucleotide variant.
Coding change: c.461G>A on transcript NM_000274.4 (MANE Select); coding-DNA position 461, G replaced by A.
Protein change: p.Arg154His; replaces arginine 154 with histidine.
Molecular consequence: missense variant. On other transcripts: 5 prime UTR variant (1), intron variant (1).
Genome position (GRCh38, 1-based): chr10:124,408,601, C>T on the plus strand (G>A on the coding strand, the complement: OAT is on the minus strand). VCF-style: chr10-124408601-C-T. GRCh37 (hg19) VCF-style: chr10-126097170-C-T.
Other names: c.461G>A, p.Arg154His (NM_001322965.2, NM_001322966.2, NM_001322967.2 and 3 more transcripts); c.-254G>A (NM_001322974.2); c.200-3038G>A (NM_001322971.2); c.47G>A, p.Arg16His (NM_001171814.2); short protein forms R154H, R16H.
Identifiers: ClinVar variation 1017886 (VCV001017886.8), dbSNP rs121965039, ClinGen allele CA5733526.